The following is an entry in ClinVar:

NM_000179.3(MSH6):c.2409C>A (p.Asp803Glu)

Gene: MSH6 (mutS homolog 6; plus strand). Cytogenetic location: 2p16.3.
Variant type: single nucleotide variant.
Coding change: c.2409C>A on transcript NM_000179.3 (MANE Select); coding-DNA position 2409, C replaced by A.
Protein change: p.Asp803Glu; replaces aspartic acid 803 with glutamic acid.
Molecular consequence: missense variant.
Genome position (GRCh38, 1-based): chr2:47,800,392, C>A. VCF-style: chr2-47800392-C-A. GRCh37 (hg19) VCF-style: chr2-48027531-C-A.
Other names: c.2019C>A, p.Asp673Glu (NM_001281492.2); c.1503C>A, p.Asp501Glu (NM_001281493.2, NM_001281494.2, NM_001406811.1 and 6 more transcripts); c.2505C>A, p.Asp835Glu (NM_001406795.1, NM_001406802.1); c.2409C>A, p.Asp803Glu (NM_001406796.1, NM_001406798.1, NM_001406800.1 and 2 more transcripts); c.2112C>A, p.Asp704Glu (NM_001406797.1, NM_001406801.1, NM_001406805.1 and 10 more transcripts); c.1884C>A, p.Asp628Glu (NM_001406799.1, NM_001406806.1, NM_001406807.1); c.2331C>A, p.Asp777Glu (NM_001406804.1); c.2415C>A, p.Asp805Glu (NM_001406813.1); and 1 more; short protein forms D673E, D704E, D803E, D628E, D747E, D805E, D501E, D777E.
Identifiers: ClinVar variation 1790838 (VCV001790838.5), dbSNP rs1434270332, ClinGen allele CA346753963.

ClinVar aggregate classification (germline): Conflicting classifications of pathogenicity. Review status: criteria provided, conflicting classifications (1 of 4 stars). 2 submissions from 2 submitters: Uncertain significance (1); Benign (1). Last evaluated 2023-05-22.

Conditions:
Hereditary nonpolyposis colorectal neoplasms. Identifiers: MedGen C0009405, MeSH D003123.
Hereditary cancer-predisposing syndrome. Also called: Hereditary Cancer Syndrome; Hereditary neoplastic syndrome; Tumor predisposition; Neoplastic Syndromes, Hereditary. Identifiers: Orphanet 140162, MedGen C0027672, MeSH D009386, MONDO:0015356.

Submissions (2):

Labcorp Genetics (formerly Invitae), Labcorp
Classification: Benign for Hereditary nonpolyposis colorectal neoplasms. Last evaluated: 2023-05-22. Review status: criteria provided, single submitter. Criteria: Invitae Variant Classification Sherloc (09022015). Collection method: clinical testing. Allele origin: germline.

Ambry Genetics
Classification: Uncertain significance for Hereditary cancer-predisposing syndrome. Last evaluated: 2022-06-16. Review status: criteria provided, single submitter. Criteria: Ambry Variant Classification Scheme 2023. Collection method: clinical testing. Allele origin: germline.
Comment: The p.D803E variant (also known as c.2409C>A), located in coding exon 4 of the MSH6 gene, results from a C to A substitution at nucleotide position 2409. The aspartic acid at codon 803 is replaced by glutamic acid, an amino acid with highly similar properties. This amino acid position is conserved. In addition, this alteration is predicted to be tolerated by in silico analysis. Since supporting evidence is limited at this time, the clinical significance of this alteration remains unclear.